The following is an entry in ClinVar:

NM_004204.5(PIGQ):c.1454A>G (p.His485Arg)

Gene: PIGQ (phosphatidylinositol glycan anchor biosynthesis class Q; plus strand). Cytogenetic location: 16p13.3.
Variant type: single nucleotide variant.
Coding change: c.1454A>G on transcript NM_004204.5 (MANE Select); coding-DNA position 1454, A replaced by G.
Protein change: p.His485Arg; replaces histidine 485 with arginine.
Molecular consequence: missense variant.
Genome position (GRCh38, 1-based): chr16:580,895, A>G. VCF-style: chr16-580895-A-G. GRCh37 (hg19) VCF-style: chr16-630895-A-G.
Other names: c.1454A>G, p.His485Arg (NM_148920.4); c.1454A>G (NM_148920.1); short protein forms H485R.
Identifiers: ClinVar variation 567505 (VCV000567505.7), dbSNP rs769102651, ClinGen allele CA7780302.

ClinVar aggregate classification (germline): Uncertain significance. Review status: criteria provided, multiple submitters, no conflicts (2 of 4 stars). 3 submissions from 3 submitters: Uncertain significance (3). Last evaluated 2023-12-14.

Conditions:
Inborn genetic diseases. Identifiers: MedGen C0950123, MeSH D030342.
Epilepsy. Also called: Seizure disorder. Identifiers: MedGen C0014544, MeSH D004827, MONDO:0005027.

Allele frequency attached by ClinVar (database versions not stated): gnomAD 0.00001; gnomAD exomes 0.00002 and 0.00004; TOPMed 0.00002; ExAC 0.00003.

Submissions (3):

Blueprint Genetics
Classification: Uncertain significance. Last evaluated: 2023-12-14. Review status: criteria provided, single submitter. Criteria: ACMG Guidelines, 2015. Collection method: clinical testing. Allele origin: germline.

Ambry Genetics
Classification: Uncertain significance for Inborn genetic diseases. Last evaluated: 2023-10-26. Review status: criteria provided, single submitter. Criteria: Ambry Variant Classification Scheme 2023. Collection method: clinical testing. Allele origin: germline.

Labcorp Genetics (formerly Invitae), Labcorp
Classification: Uncertain significance for Epilepsy. Last evaluated: 2022-09-01. Review status: criteria provided, single submitter. Criteria: Invitae Variant Classification Sherloc (09022015). Collection method: clinical testing. Allele origin: germline.
Comment: This sequence change replaces histidine, which is basic and polar, with arginine, which is basic and polar, at codon 485 of the PIGQ protein (p.His485Arg). This variant is present in population databases (rs769102651, gnomAD 0.006%). This variant has not been reported in the literature in individuals affected with PIGQ-related conditions. ClinVar contains an entry for this variant (Variation ID: 567505). Algorithms developed to predict the effect of missense changes on protein structure and function are either unavailable or do not agree on the potential impact of this missense change (SIFT: "Deleterious"; PolyPhen-2: "Benign"; Align-GVGD: "Class C0"). In summary, the available evidence is currently insufficient to determine the role of this variant in disease. Therefore, it has been classified as a Variant of Uncertain Significance.